The following is an entry in ClinVar:

NM_033026.6(PCLO):c.1495C>T (p.Pro499Ser)

Gene: PCLO (piccolo presynaptic cytomatrix protein; minus strand). Cytogenetic location: 7q21.11.
Variant type: single nucleotide variant.
Coding change: c.1495C>T on transcript NM_033026.6 (MANE Select); coding-DNA position 1495, C replaced by T.
Protein change: p.Pro499Ser; replaces proline 499 with serine.
Molecular consequence: missense variant.
Genome position (GRCh38, 1-based): chr7:83,155,146, G>A on the plus strand (C>T on the coding strand, the complement: PCLO is on the minus strand). VCF-style: chr7-83155146-G-A. GRCh37 (hg19) VCF-style: chr7-82784462-G-A.
Other names: c.1495C>T, p.Pro499Ser (NM_014510.3); short protein forms P499S.
Identifiers: ClinVar variation 4759824 (VCV004759824.1).

ClinVar aggregate classification (germline): Uncertain significance (1 of 4 stars; one submission).

gnomAD v4.1: 2 of 1,516,180 alleles (0.00013%); highest among the groups gnomAD compares: Admixed American, 0.0019%; no homozygotes.

Submission:

Labcorp Genetics (formerly Invitae), Labcorp
Classification: Uncertain significance. Last evaluated: 2025-02-20. Review status: criteria provided, single submitter. Criteria: Invitae Variant Classification Sherloc (09022015). Collection method: clinical testing. Allele origin: germline.
Comment: This sequence change replaces proline, which is neutral and non-polar, with serine, which is neutral and polar, at codon 499 of the PCLO protein (p.Pro499Ser). This variant is present in population databases (no rsID available, gnomAD 0.003%). This variant has not been reported in the literature in individuals affected with PCLO-related conditions. An algorithm developed to predict the effect of missense changes on protein structure and function outputs the following: PolyPhen-2: "Possibly Damaging". The serine amino acid residue is found in multiple mammalian species, which suggests that this missense change does not adversely affect protein function. In summary, the available evidence is currently insufficient to determine the role of this variant in disease. Therefore, it has been classified as a Variant of Uncertain Significance.